The following is an entry in ClinVar:

ClinVar aggregate classification (germline): Pathogenic (0 of 4 stars; one submission).

Conditions:
ANK1-related disorder. Also called: ANK1-related condition.

Submission:

PreventionGenetics, part of Exact Sciences
Classification: Pathogenic for ANK1-related condition. Last evaluated: 2024-05-05. Review status: no assertion criteria provided. Collection method: clinical testing. Allele origin: germline.
Comment: The ANK1 c.1495delG variant is predicted to result in a frameshift and premature protein termination (p.Ala499Profs*34). To our knowledge, this variant has not been reported in the literature or in a large population database, indicating this variant is rare. Frameshift variants in ANK1 are expected to be pathogenic. This variant is interpreted as pathogenic.

NM_000037.4(ANK1):c.1495del (p.Ala499fs)

Gene: ANK1 (ankyrin 1; minus strand). Cytogenetic location: 8p11.21.
Variant type: Deletion.
Coding change: c.1495del on transcript NM_000037.4 (MANE Select); coding-DNA position 1495, one base deleted (G; older notation c.1495delG).
Protein change: p.Ala499fs; shifts the reading frame from alanine 499.
Molecular consequence: frameshift variant.
Genome position (GRCh38, 1-based): chr8:41,715,759, C deleted on the plus strand (G on the coding strand, the reverse complement: ANK1 is on the minus strand); the first of 2 consecutive C bases (chr8:41,715,759-41,715,760); deleting either gives the same sequence. VCF-style (leftmost placement, unchanged base first): chr8-41715758-GC-G. GRCh37 (hg19) VCF-style: chr8-41573276-GC-G.
Other names: c.1594del, p.Ala532fs (NM_001142446.2); c.1495del, p.Ala499fs (NM_020475.3, NM_020476.3, NM_020477.3); short protein forms A499fs, A532fs.
Identifiers: ClinVar variation 3345150 (VCV003345150.1).